The following is an entry in ClinVar:

ClinVar aggregate classification (germline): Uncertain significance (0 of 4 stars; one submission).

Conditions:
NKX2-6-related disorder. Also called: NKX2-6-related condition.

gnomAD v4.1: 1 of 1,556,714 alleles (0.000064%); highest among the groups gnomAD compares: Admixed American, 0.0019%; no homozygotes.

Submission:

PreventionGenetics, part of Exact Sciences
Classification: Uncertain significance for NKX2-6-related condition. Last evaluated: 2024-07-03. Review status: no assertion criteria provided. Collection method: clinical testing. Allele origin: germline.
Comment: The NKX2-6 c.468C>A variant is predicted to result in premature protein termination (p.Tyr156*). This variant was reported in an individual with pulmonary arterial hypertension (Table S4, Zhu et al. 2018. PubMed ID: 30029678). This variant is reported in 0.0043% of alleles in individuals of South Asian descent in gnomAD. Although we suspect that this variant may be pathogenic, at this time, the clinical significance of this variant is uncertain due to the absence of conclusive functional and genetic evidence.

NM_001136271.3(NKX2-6):c.468C>A (p.Tyr156Ter)

Gene: NKX2-6 (NK2 homeobox 6; minus strand). Cytogenetic location: 8p21.2.
Variant type: single nucleotide variant.
Coding change: c.468C>A on transcript NM_001136271.3 (MANE Select); coding-DNA position 468, C replaced by A.
Protein change: p.Tyr156Ter; replaces tyrosine 156 with a stop codon.
Molecular consequence: nonsense.
Genome position (GRCh38, 1-based): chr8:23,702,889, G>T on the plus strand (C>A on the coding strand, the complement: NKX2-6 is on the minus strand). VCF-style: chr8-23702889-G-T. GRCh37 (hg19) VCF-style: chr8-23560402-G-T.
Other names: short protein forms Y156*.
Identifiers: ClinVar variation 3353606 (VCV003353606.1).
Genomic context (GRCh38, chr8:23,702,889, plus strand): 5'-GACCTGCGTGGACGTGAGCTGCAGCGCGCTGGCCAGGTGCTCGCGCTCGGGCGCTGACAG[G>T]TACCGCTGCTGCTTGAAGCGCCGCTCCAGGGCCAGCACCTGCGCCTGCGAAAAGAGCACG-3'